The following is an entry in ClinVar:

NM_002878.4(RAD51D):c.566T>C (p.Val189Ala)

Genes: RAD51L3-RFFL (RAD51L3-RFFL readthrough; minus strand), RAD51D (RAD51 paralog D; minus strand). Cytogenetic location: 17q12.
Variant type: single nucleotide variant.
Coding change: c.566T>C on transcript NM_002878.4 (MANE Select); coding-DNA position 566, T replaced by C.
Protein change: p.Val189Ala; replaces valine 189 with alanine.
Molecular consequence: missense variant. On other transcripts: non-coding transcript variant (3).
Genome position (GRCh38, 1-based): chr17:35,106,396, A>G on the plus strand (T>C on the coding strand, the complement: RAD51D is on the minus strand). VCF-style: chr17-35106396-A-G. GRCh37 (hg19) VCF-style: chr17-33433415-A-G.
Other names: c.626T>C, p.Val209Ala (NM_001142571.2); c.230T>C, p.Val77Ala (NM_133629.3); short protein forms V77A, V209A, V189A.
Identifiers: ClinVar variation 3786517 (VCV003786517.1).
Genomic context (GRCh38, chr17:35,106,396, plus strand): 5'-AGCACCTAGAAAGCTGAATTAAGCAAGGAGGGGCAGAACAGCAGGCTCACCTGCTGGGCC[A>G]CAGTGCCTCGGAGCTCCTGCAGCACATCCAGCATCTGGAAGATGTCAAATGCATGCACCA-3'
Protein context (NP_002869.3, residues 179-199): LDVLQELRGT[Val189Ala]AQQVTGSSGT

ClinVar aggregate classification (germline): Uncertain significance (1 of 4 stars; one submission).

Conditions:
Hereditary cancer-predisposing syndrome. Also called: Neoplastic Syndromes, Hereditary; Hereditary Cancer Syndrome; Tumor predisposition; Hereditary neoplastic syndrome. Identifiers: Orphanet 140162, MedGen C0027672, MeSH D009386, MONDO:0015356.

Submission:

Ambry Genetics
Classification: Uncertain significance for Hereditary cancer-predisposing syndrome. Last evaluated: 2025-02-27. Review status: criteria provided, single submitter. Criteria: Ambry Variant Classification Scheme 2023. Collection method: clinical testing. Allele origin: germline.
Comment: The p.V189A variant (also known as c.566T>C), located in coding exon 6 of the RAD51D gene, results from a T to C substitution at nucleotide position 566. The valine at codon 189 is replaced by alanine, an amino acid with similar properties. This amino acid position is conserved. In addition, this alteration is predicted to be tolerated by in silico analysis. Based on the available evidence, the clinical significance of this variant remains unclear.